The following is an entry in ClinVar:

ClinVar aggregate classification (germline): Uncertain significance. Review status: criteria provided, multiple submitters, no conflicts (2 of 4 stars). 2 submissions from 2 submitters: Uncertain significance (2). Last evaluated 2024-01-25.

Conditions:
Inborn genetic diseases. Identifiers: MedGen C0950123, MeSH D030342.

Allele frequency attached by ClinVar (database versions not stated): TOPMed 0.00001; gnomAD 0.00002; ExAC 0.00003.
gnomAD v4.1: 16 of 1,612,430 alleles (0.00099%); highest among the groups gnomAD compares: Admixed American, 0.0017%; no homozygotes.

Submissions (2):

Ambry Genetics
Classification: Uncertain significance for Inborn genetic diseases. Last evaluated: 2024-01-25. Review status: criteria provided, single submitter. Criteria: Ambry Variant Classification Scheme 2023. Collection method: clinical testing. Allele origin: germline.

GeneDx
Classification: Uncertain significance. Last evaluated: 2022-04-15. Review status: criteria provided, single submitter. Criteria: GeneDx Variant Classification Process June 2021. Collection method: clinical testing. Allele origin: germline. Affected: yes.
Comment: In silico analysis supports that this missense variant does not alter protein structure/function; Has not been previously published as pathogenic or benign to our knowledge

NM_031475.3(ESPN):c.1450G>A (p.Ala484Thr)

Gene: ESPN (espin; plus strand). Cytogenetic location: 1p36.31.
Variant type: single nucleotide variant.
Coding change: c.1450G>A on transcript NM_031475.3 (MANE Select); coding-DNA position 1450, G replaced by A.
Protein change: p.Ala484Thr; replaces alanine 484 with threonine.
Molecular consequence: missense variant.
Genome position (GRCh38, 1-based): chr1:6,445,921, G>A. VCF-style: chr1-6445921-G-A. GRCh37 (hg19) VCF-style: chr1-6505981-G-A.
Other names: c.1450G>A, p.Ala484Thr (NM_001367473.1, NM_001367474.1); short protein forms A484T.
Identifiers: ClinVar variation 1710650 (VCV001710650.3), dbSNP rs778336312, ClinGen allele CA560226.